The following is an entry in ClinVar:

ClinVar aggregate classification (germline): Likely benign. Review status: criteria provided, multiple submitters, no conflicts (2 of 4 stars). 2 submissions from 2 submitters: Likely benign (2). Last evaluated 2018-01-12.

Conditions:
Holocarboxylase synthetase deficiency. Also called: MULTIPLE CARBOXYLASE DEFICIENCY, EARLY ONSET. Identifiers: Orphanet 79242, MedGen C0268581, MONDO:0009666, OMIM 253270.

Allele frequency attached by ClinVar (database versions not stated): 1000 Genomes Project 0.00899; 1000 Genomes Project 30x 0.00906; TOPMed 0.01148; gnomAD 0.01206 and 0.01246; gnomAD exomes 0.01990.
gnomAD v4.1: 1,919 of 152,692 alleles (1.3%); highest among the groups gnomAD compares: Middle Eastern, 3.1%; 20 homozygotes.

Submissions (2):

Illumina Laboratory Services, Illumina
Classification: Likely benign for Holocarboxylase synthetase deficiency. Last evaluated: 2018-01-12. Review status: criteria provided, single submitter. Criteria: ICSL Variant Classification Criteria 13 December 2019. Collection method: clinical testing. Allele origin: germline.
Comment: This variant was observed in the ICSL laboratory as part of a predisposition screen in an ostensibly healthy population. It had not been previously curated by ICSL or reported in the Human Gene Mutation Database (HGMD: prior to June 1st, 2018), and was therefore a candidate for classification through an automated scoring system. Utilizing variant allele frequency, disease prevalence and penetrance estimates, and inheritance mode, an automated score was calculated to assess if this variant is too frequent to cause the disease. Based on the score and internal cut-off values, a variant classified as likely benign is not then subjected to further curation. The score for this variant resulted in a classification of likely benign for this disease.

Breakthrough Genomics
Classification: Likely benign. Review status: criteria provided, single submitter. Criteria: ACMG Guidelines, 2015. Collection method: not provided. Allele origin: germline. Inheritance: Autosomal recessive inheritance. Affected: yes.

NM_001352514.2(HLCS):c.*1744G>A

Gene: HLCS (holocarboxylase synthetase; minus strand). Cytogenetic location: 21q22.13.
Variant type: single nucleotide variant.
Coding change: c.*1744G>A on transcript NM_001352514.2 (MANE Select); 1744 bases downstream of the stop codon, G replaced by A.
Molecular consequence: 3 prime UTR variant. On other transcripts: non-coding transcript variant (2).
Genome position (GRCh38, 1-based): chr21:36,752,502, C>T on the plus strand (G>A on the coding strand, the complement: HLCS is on the minus strand). VCF-style: chr21-36752502-C-T. GRCh37 (hg19) VCF-style: chr21-38124803-C-T.
Other names: c.*1744G>A (NM_000411.8, NM_001242784.3, NM_001242785.2 and 4 more transcripts).
Identifiers: ClinVar variation 339935 (VCV000339935.6), dbSNP rs117270429, ClinGen allele CA10650470.